The following is an entry in ClinVar:

NM_003748.4(ALDH4A1):c.679-7C>T

Gene: ALDH4A1 (aldehyde dehydrogenase 4 family member A1; minus strand). Cytogenetic location: 1p36.13.
Variant type: single nucleotide variant.
Coding change: c.679-7C>T on transcript NM_003748.4 (MANE Select); 7 bases into the intron before coding-DNA position 679, C replaced by T.
Molecular consequence: intron variant.
Genome position (GRCh38, 1-based): chr1:18,881,894, G>A on the plus strand (C>T on the coding strand, the complement: ALDH4A1 is on the minus strand). VCF-style: chr1-18881894-G-A. GRCh37 (hg19) VCF-style: chr1-19208388-G-A.
Other names: c.679-7C>T (NM_001319218.2, NM_170726.3); c.499-7C>T (NM_001161504.2).
Identifiers: ClinVar variation 3053996 (VCV003053996.3), dbSNP rs371491394, ClinGen allele CA647230.
Genomic context (GRCh38, chr1:18,881,894, plus strand): 5'-AGCATAGCTGGCCAGCATGGCAGTGTCACTGGGCTTCCATAGGACCACGTTGCCCTGCCC[G>A]GGAGGTGTTTCAGTGATGCATGAGGATGGCGCCACCAGCCCCCAACCCCCACCCCACCCT-3'

ClinVar aggregate classification (germline): Likely benign. Review status: criteria provided, single submitter (1 of 4 stars). 2 submissions from 2 submitters: Likely benign (1). 1 of the submissions does not count toward it. Last evaluated 2025-08-21.

Conditions:
ALDH4A1-related disorder. Also called: ALDH4A1-related condition.
Hyperprolinemia type 2 (HYRPRO2). Also called: Delta-1-pyrroline-5-carboxylate dehydrogenase deficiency; 1-PYRROLINE-5-CARBOXYLATE DEHYDROGENASE DEFICIENCY; Deficiency of pyrroline-5-carboxylate reductase. Identifiers: Orphanet 79101, MedGen C2931835, MONDO:0009401, OMIM 239510.

Allele frequency attached by ClinVar (database versions not stated): ExAC 0.00004; TOPMed 0.00005; gnomAD exomes 0.00007; ESP Exome Variant Server 0.00008; gnomAD 0.00011.
gnomAD v4.1: 119 of 1,612,278 alleles (0.0074%); highest among the groups gnomAD compares: Middle Eastern, 0.017%; no homozygotes.

Submissions (2):

Labcorp Genetics (formerly Invitae), Labcorp
Classification: Likely benign for Hyperprolinemia type 2. Last evaluated: 2025-08-21. Review status: criteria provided, single submitter. Criteria: Invitae Variant Classification Sherloc (09022015). Collection method: clinical testing. Allele origin: germline.

PreventionGenetics, part of Exact Sciences
Classification: Likely benign for ALDH4A1-related condition. Last evaluated: 2020-12-15. Review status: no assertion criteria provided. Collection method: clinical testing. Allele origin: germline. Not counted in ClinVar's aggregate classification.
Comment: This variant is classified as likely benign based on ACMG/AMP sequence variant interpretation guidelines (Richards et al. 2015 PMID: 25741868, with internal and published modifications).